The following is an entry in ClinVar:

ClinVar aggregate classification (germline): Conflicting classifications of pathogenicity. Review status: criteria provided, conflicting classifications (1 of 4 stars). 2 submissions from 2 submitters: Uncertain significance (1); Likely benign (1). Last evaluated 2025-04-20.

Conditions:
Inborn genetic diseases. Identifiers: MedGen C0950123, MeSH D030342.

gnomAD v4.1: 15 of 1,614,034 alleles (0.00093%); highest among the groups gnomAD compares: Non-Finnish European, 0.0013%; no homozygotes.

Submissions (2):

Ambry Genetics
Classification: Likely benign for Inborn genetic diseases. Last evaluated: 2025-04-20. Review status: criteria provided, single submitter. Criteria: Ambry Variant Classification Scheme 2023. Collection method: clinical testing. Allele origin: germline.

Labcorp Genetics (formerly Invitae), Labcorp
Classification: Uncertain significance. Last evaluated: 2024-02-20. Review status: criteria provided, single submitter. Criteria: Invitae Variant Classification Sherloc (09022015). Collection method: clinical testing. Allele origin: germline.
Comment: This sequence change replaces arginine, which is basic and polar, with serine, which is neutral and polar, at codon 972 of the KAT6A protein (p.Arg972Ser). This variant is present in population databases (no rsID available, gnomAD 0.002%). This variant has not been reported in the literature in individuals affected with KAT6A-related conditions. An algorithm developed to predict the effect of missense changes on protein structure and function (PolyPhen-2) suggests that this variant is likely to be tolerated. In summary, the available evidence is currently insufficient to determine the role of this variant in disease. Therefore, it has been classified as a Variant of Uncertain Significance.

NM_006766.5(KAT6A):c.2914C>A (p.Arg972Ser)

Gene: KAT6A (lysine acetyltransferase 6A; minus strand). Cytogenetic location: 8p11.21.
Variant type: single nucleotide variant.
Coding change: c.2914C>A on transcript NM_006766.5 (MANE Select); coding-DNA position 2914, C replaced by A.
Protein change: p.Arg972Ser; replaces arginine 972 with serine.
Molecular consequence: missense variant.
Genome position (GRCh38, 1-based): chr8:41,940,967, G>T on the plus strand (C>A on the coding strand, the complement: KAT6A is on the minus strand). VCF-style: chr8-41940967-G-T. GRCh37 (hg19) VCF-style: chr8-41798485-G-T.
Other names: c.2914C>A (NM_006766.3); short protein forms R972S.
Identifiers: ClinVar variation 3612937 (VCV003612937.3).
Genomic context (GRCh38, chr8:41,940,967, plus strand): 5'-CCTCCTCCTCGCTGCTCTCACTGAAGCCCCTGAGGACAGCCCTGTCACCCTCACTGTAGC[G>T]ACGGGGCAGCCTCTCACTTCCTTCTGTTAATCTGCACTTCAGAGCCTCAGGGCTTTTCTT-3'
Protein context (NP_006757.2, residues 962-982): LTEGSERLPR[Arg972Ser]YSEGDRAVLR